The following is an entry in ClinVar:

ClinVar aggregate classification (germline): Conflicting classifications of pathogenicity. Review status: criteria provided, conflicting classifications (1 of 4 stars). 3 submissions from 3 submitters: Uncertain significance (1); Likely benign (2). Last evaluated 2024-05-29.

Conditions:
Familial sleep-related hypermotor epilepsy. Also called: Autosomal Dominant Sleep-Related Hypermotor (Hyperkinetic) Epilepsy. Identifiers: Orphanet 98784, MedGen C3696898, MONDO:0000030.
Inborn genetic diseases. Identifiers: MedGen C0950123, MeSH D030342.

Allele frequency attached by ClinVar (database versions not stated): gnomAD 0.00001 and below 0.00001; gnomAD exomes 0.00004; ExAC 0.00026; TOPMed 0.00001.
gnomAD v4.1: 44 of 1,536,228 alleles (0.0029%); highest among the groups gnomAD compares: South Asian, 0.037%; no homozygotes.

Submissions (3):

Labcorp Genetics (formerly Invitae), Labcorp
Classification: Uncertain significance. Last evaluated: 2024-05-29. Review status: criteria provided, single submitter. Criteria: Invitae Variant Classification Sherloc (09022015). Collection method: clinical testing. Allele origin: germline.
Comment: This sequence change replaces valine, which is neutral and non-polar, with leucine, which is neutral and non-polar, at codon 391 of the CHRNB2 protein (p.Val391Leu). This variant is present in population databases (rs770055798, gnomAD 0.02%). This variant has not been reported in the literature in individuals affected with CHRNB2-related conditions. ClinVar contains an entry for this variant (Variation ID: 205058). Advanced modeling of protein sequence and biophysical properties (such as structural, functional, and spatial information, amino acid conservation, physicochemical variation, residue mobility, and thermodynamic stability) performed at Invitae indicates that this missense variant is not expected to disrupt CHRNB2 protein function with a negative predictive value of 95%. In summary, the available evidence is currently insufficient to determine the role of this variant in disease. Therefore, it has been classified as a Variant of Uncertain Significance.

Ambry Genetics
Classification: Likely benign for Inborn genetic diseases. Last evaluated: 2022-06-03. Review status: criteria provided, single submitter. Criteria: Ambry Variant Classification Scheme 2023. Collection method: clinical testing. Allele origin: germline.

GeneDx
Classification: Likely benign. Last evaluated: 2013-07-10. Review status: criteria provided, single submitter. Criteria: GeneDx Variant Classification (06012015). Collection method: clinical testing. Allele origin: germline. Affected: yes.
Comment: This variant is considered likely benign or benign based on one or more of the following criteria: it is a conservative change, it occurs at a poorly conserved position in the protein, it is predicted to be benign by multiple in silico algorithms, and/or has population frequency not consistent with disease.

NM_000748.3(CHRNB2):c.1171G>C (p.Val391Leu)

Gene: CHRNB2 (cholinergic receptor nicotinic beta 2 subunit; plus strand). Cytogenetic location: 1q21.3.
Variant type: single nucleotide variant.
Coding change: c.1171G>C on transcript NM_000748.3 (MANE Select); coding-DNA position 1171, G replaced by C.
Protein change: p.Val391Leu; replaces valine 391 with leucine.
Molecular consequence: missense variant.
Genome position (GRCh38, 1-based): chr1:154,571,994, G>C. VCF-style: chr1-154571994-G-C. GRCh37 (hg19) VCF-style: chr1-154544470-G-C.
Other names: p.V391L:GTC>CTC; short protein forms V391L.
Identifiers: ClinVar variation 205058 (VCV000205058.6), dbSNP rs770055798, ClinGen allele CA313633.